The following is an entry in ClinVar:

ClinVar aggregate classification (germline): Uncertain significance (1 of 4 stars; one submission).

Submission:

Women's Health and Genetics/Laboratory Corporation of America, LabCorp
Classification: Uncertain significance. Last evaluated: 2026-05-28. Review status: criteria provided, single submitter. Criteria: LabCorp Variant Classification Summary - May 2015. Collection method: clinical testing. Allele origin: germline.
Comment: Variant summary: GRN c.1251G>T (p.Gln417His) results in a non-conservative amino acid change in the encoded protein sequence. Algorithms developed to predict the effect of missense changes on protein structure and function are either unavailable or do not agree on the potential impact of this missense change. The variant was absent in 251160 control chromosomes. The available data on variant occurrences in the general population are insufficient to allow any conclusion about variant significance. To our knowledge, no occurrence of c.1251G>T in individuals affected with GRN-related conditions and no experimental evidence demonstrating its impact on protein function have been reported. No submitters have cited clinical-significance assessments for this variant to ClinVar. Based on the evidence outlined above, the variant was classified as uncertain significance.

NM_002087.4(GRN):c.1251G>T (p.Gln417His)

Gene: GRN (granulin precursor; plus strand). Cytogenetic location: 17q21.31.
Variant type: single nucleotide variant.
Coding change: c.1251G>T on transcript NM_002087.4 (MANE Select); coding-DNA position 1251, G replaced by T.
Protein change: p.Gln417His; replaces glutamine 417 with histidine.
Molecular consequence: missense variant.
Genome position (GRCh38, 1-based): chr17:44,352,086, G>T. VCF-style: chr17-44352086-G-T. GRCh37 (hg19) VCF-style: chr17-42429454-G-T.
Other names: short protein forms Q417H.
Identifiers: ClinVar variation 4853297 (VCV004853297.1).